The following is an entry in ClinVar:

ClinVar aggregate classification (germline): Uncertain significance (1 of 4 stars; one submission).

Submission:

Labcorp Genetics (formerly Invitae), Labcorp
Classification: Uncertain significance. Last evaluated: 2025-11-12. Review status: criteria provided, single submitter. Criteria: Invitae Variant Classification Sherloc (09022015). Collection method: clinical testing. Allele origin: germline.
Comment: This sequence change replaces alanine, which is neutral and non-polar, with threonine, which is neutral and polar, at codon 426 of the ANKH protein (p.Ala426Thr). This variant is not present in population databases (gnomAD no frequency). This variant has not been reported in the literature in individuals affected with ANKH-related conditions. Invitae Evidence Modeling of protein sequence and biophysical properties (such as structural, functional, and spatial information, amino acid conservation, physicochemical variation, residue mobility, and thermodynamic stability) indicates that this missense variant is not expected to disrupt ANKH protein function with a negative predictive value of 80%. In summary, the available evidence is currently insufficient to determine the role of this variant in disease. Therefore, it has been classified as a Variant of Uncertain Significance.

NM_054027.6(ANKH):c.1276G>A (p.Ala426Thr)

Genes: ANKH (ANKH inorganic pyrophosphate transport regulator; minus strand), OTULIN (OTU deubiquitinase with linear linkage specificity; plus strand), LOC100130744 (uncharacterized LOC100130744; plus strand). Cytogenetic location: 5p15.2.
Variant type: single nucleotide variant.
Coding change: c.1276G>A on transcript NM_054027.6 (MANE Select); coding-DNA position 1276, G replaced by A.
Protein change: p.Ala426Thr; replaces alanine 426 with threonine.
Molecular consequence: missense variant. On other transcripts: non-coding transcript variant (1).
Genome position (GRCh38, 1-based): chr5:14,712,963, C>T on the plus strand (G>A on the coding strand, the complement: ANKH is on the minus strand). VCF-style: chr5-14712963-C-T. GRCh37 (hg19) VCF-style: chr5-14713072-C-T.
Other names: short protein forms A426T.
Identifiers: ClinVar variation 4778199 (VCV004778199.1).